The following is an entry in ClinVar:

ClinVar aggregate classification (germline): Uncertain significance. Review status: criteria provided, multiple submitters, no conflicts (2 of 4 stars). 2 submissions from 2 submitters: Uncertain significance (2). Last evaluated 2025-05-07.

Conditions:
Cardiovascular phenotype. Identifiers: MedGen CN230736.

Submissions (2):

Ambry Genetics
Classification: Uncertain significance for Cardiovascular phenotype. Last evaluated: 2025-05-07. Review status: criteria provided, single submitter. Criteria: Ambry Variant Classification Scheme 2023. Collection method: clinical testing. Allele origin: germline.
Comment: The c.2430-2A>G intronic variant results from an A to G substitution two nucleotides before coding exon 19 in the MYH6 gene. This nucleotide position is highly conserved in available vertebrate species. In silico splice site analysis predicts that this alteration will weaken the native splice acceptor site and will result in the creation or strengthening of a novel splice acceptor site. Alterations that disrupt the canonical splice site are expected to cause aberrant splicing, resulting in an abnormal protein or a transcript that is subject to nonsense-mediated mRNA decay. However, loss of function of MYH6 has not been established as a mechanism of disease. Based on the available evidence, the clinical significance of this alteration remains unclear.

GeneDx
Classification: Uncertain significance. Last evaluated: 2024-02-13. Review status: criteria provided, single submitter. Criteria: GeneDx Variant Classification Process June 2021. Collection method: clinical testing. Allele origin: germline. Affected: yes.
Comment: Not observed at significant frequency in large population cohorts (gnomAD); Canonical splice site variant in a gene or region of a gene for which loss of function is not an established mechanism of disease; Has not been previously published as pathogenic or benign to our knowledge

NM_002471.4(MYH6):c.2430-2A>G

Gene: MYH6 (myosin heavy chain 6; minus strand). Cytogenetic location: 14q11.2.
Variant type: single nucleotide variant.
Coding change: c.2430-2A>G on transcript NM_002471.4 (MANE Select); the canonical splice acceptor site of the intron before coding-DNA position 2430, A replaced by G.
Molecular consequence: splice acceptor variant.
Genome position (GRCh38, 1-based): chr14:23,394,325, T>C on the plus strand (A>G on the coding strand, the complement: MYH6 is on the minus strand). VCF-style: chr14-23394325-T-C. GRCh37 (hg19) VCF-style: chr14-23863534-T-C.
Other names: c.2430-2A>G (NM_002471.3).
Identifiers: ClinVar variation 3369212 (VCV003369212.2).